The following is an entry in ClinVar:

NM_001378454.1(ALMS1):c.11798G>T (p.Arg3933Leu)

Gene: ALMS1 (ALMS1 centrosome and basal body associated protein; plus strand). Cytogenetic location: 2p13.1.
Variant type: single nucleotide variant.
Coding change: c.11798G>T on transcript NM_001378454.1 (MANE Select); coding-DNA position 11798, G replaced by T.
Protein change: p.Arg3933Leu; replaces arginine 3933 with leucine.
Molecular consequence: missense variant.
Genome position (GRCh38, 1-based): chr2:73,600,807, G>T. VCF-style: chr2-73600807-G-T. GRCh37 (hg19) VCF-style: chr2-73827934-G-T.
Other names: c.11801G>T, p.Arg3934Leu (NM_015120.4); short protein forms R3934L, R3933L.
Identifiers: ClinVar variation 969646 (VCV000969646.16), dbSNP rs45576434, ClinGen allele CA347264617.

ClinVar aggregate classification (germline): Uncertain significance. Review status: criteria provided, multiple submitters, no conflicts (2 of 4 stars). 6 submissions from 6 submitters: Uncertain significance (5). 1 of the submissions does not count toward it. Last evaluated 2026-01-19.

Conditions:
Cardiovascular phenotype. Identifiers: MedGen CN230736.
Alstrom syndrome (ALMS). Identifiers: Orphanet 64, MedGen C0268425, MONDO:0008763, OMIM 203800.

gnomAD v4.1: 6 of 1,614,078 alleles (0.00037%); highest among the groups gnomAD compares: African/African-American, 0.0067%; no homozygotes.

Submissions (6):

Labcorp Genetics (formerly Invitae), Labcorp
Classification: Uncertain significance for Alstrom syndrome. Last evaluated: 2026-01-19. Review status: criteria provided, single submitter. Criteria: Invitae Variant Classification Sherloc (09022015). Collection method: clinical testing. Allele origin: germline.
Comment: This sequence change replaces arginine, which is basic and polar, with leucine, which is neutral and non-polar, at codon 3934 of the ALMS1 protein (p.Arg3934Leu). This variant is present in population databases (no rsID available, gnomAD 0.02%). This variant has not been reported in the literature in individuals affected with ALMS1-related conditions. ClinVar contains an entry for this variant (Variation ID: 969646). Experimental studies and prediction algorithms are not available or were not evaluated, and the functional significance of this variant is currently unknown. In summary, the available evidence is currently insufficient to determine the role of this variant in disease. Therefore, it has been classified as a Variant of Uncertain Significance.

Women's Health and Genetics/Laboratory Corporation of America, LabCorp
Classification: Uncertain significance. Last evaluated: 2025-02-18. Review status: criteria provided, single submitter. Criteria: LabCorp Variant Classification Summary - May 2015. Collection method: clinical testing. Allele origin: germline.

GeneDx
Classification: Uncertain significance. Last evaluated: 2023-07-10. Review status: criteria provided, single submitter. Criteria: GeneDx Variant Classification Process June 2021. Collection method: clinical testing. Allele origin: germline. Affected: yes.
Comment: Has not been previously published as pathogenic or benign to our knowledge; In silico analysis supports that this missense variant does not alter protein structure/function

Ambry Genetics
Classification: Uncertain significance for Cardiovascular phenotype. Last evaluated: 2023-04-07. Review status: criteria provided, single submitter. Criteria: Ambry Variant Classification Scheme 2023. Collection method: clinical testing. Allele origin: germline.
Comment: The p.R3934L variant (also known as c.11801G>T), located in coding exon 18 of the ALMS1 gene, results from a G to T substitution at nucleotide position 11801. The arginine at codon 3934 is replaced by leucine, an amino acid with dissimilar properties. This amino acid position is poorly conserved in available vertebrate species. In addition, this alteration is predicted to be tolerated by in silico analysis. Since supporting evidence is limited at this time, the clinical significance of this alteration remains unclear.

Fulgent Genetics
Classification: Uncertain significance for Alstrom syndrome. Last evaluated: 2021-12-22. Review status: criteria provided, single submitter. Criteria: ACMG Guidelines, 2015. Collection method: clinical testing. Allele origin: unknown.

Natera, Inc.
Classification: Uncertain significance for Alstrom syndrome. Last evaluated: 2020-10-29. Review status: no assertion criteria provided. Collection method: clinical testing. Allele origin: germline. Not counted in ClinVar's aggregate classification.